The following is an entry in ClinVar:

ClinVar aggregate classification (germline): Uncertain significance. Review status: criteria provided, multiple submitters, no conflicts (2 of 4 stars). 2 submissions from 2 submitters: Uncertain significance (2). Last evaluated 2025-03-24.

Conditions:
Hereditary cancer-predisposing syndrome. Also called: Neoplastic Syndromes, Hereditary; Tumor predisposition; Hereditary Cancer Syndrome; Hereditary neoplastic syndrome. Identifiers: Orphanet 140162, MedGen C0027672, MeSH D009386, MONDO:0015356.

Submissions (2):

Labcorp Genetics (formerly Invitae), Labcorp
Classification: Uncertain significance. Last evaluated: 2025-03-24. Review status: criteria provided, single submitter. Criteria: Invitae Variant Classification Sherloc (09022015). Collection method: clinical testing. Allele origin: germline.
Comment: This sequence change replaces isoleucine, which is neutral and non-polar, with methionine, which is neutral and non-polar, at codon 632 of the CTNNA1 protein (p.Ile632Met). This variant is not present in population databases (gnomAD no frequency). This variant has not been reported in the literature in individuals affected with CTNNA1-related conditions. ClinVar contains an entry for this variant (Variation ID: 1782150). Invitae Evidence Modeling of protein sequence and biophysical properties (such as structural, functional, and spatial information, amino acid conservation, physicochemical variation, residue mobility, and thermodynamic stability) indicates that this missense variant is not expected to disrupt CTNNA1 protein function with a negative predictive value of 80%. In summary, the available evidence is currently insufficient to determine the role of this variant in disease. Therefore, it has been classified as a Variant of Uncertain Significance.

Ambry Genetics
Classification: Uncertain significance for Hereditary cancer-predisposing syndrome. Last evaluated: 2022-07-19. Review status: criteria provided, single submitter. Criteria: Ambry Variant Classification Scheme 2023. Collection method: clinical testing. Allele origin: germline.
Comment: The p.I632M variant (also known as c.1896A>G), located in coding exon 12 of the CTNNA1 gene, results from an A to G substitution at nucleotide position 1896. The isoleucine at codon 632 is replaced by methionine, an amino acid with highly similar properties. This amino acid position is conserved. In addition, the in silico prediction for this alteration is inconclusive. Since supporting evidence is limited at this time, the clinical significance of this alteration remains unclear.

NM_001903.5(CTNNA1):c.1896A>G (p.Ile632Met)

Gene: CTNNA1 (catenin alpha 1; plus strand). Cytogenetic location: 5q31.2.
Variant type: single nucleotide variant.
Coding change: c.1896A>G on transcript NM_001903.5 (MANE Select); coding-DNA position 1896, A replaced by G.
Protein change: p.Ile632Met; replaces isoleucine 632 with methionine.
Molecular consequence: missense variant.
Genome position (GRCh38, 1-based): chr5:138,925,404, A>G. VCF-style: chr5-138925404-A-G. GRCh37 (hg19) VCF-style: chr5-138261093-A-G.
Other names: c.1896A>G, p.Ile632Met (NM_001290307.3, NM_001323982.2, NM_001323983.1 and 2 more transcripts); c.1587A>G, p.Ile529Met (NM_001290309.3); c.1527A>G, p.Ile509Met (NM_001290310.3); c.786A>G, p.Ile262Met (NM_001290312.1, NM_001323987.1, NM_001323988.1 and 17 more transcripts); c.1803A>G, p.Ile601Met (NM_001323986.2); c.447A>G, p.Ile149Met (NM_001324006.1, NM_001324007.1, NM_001324008.1 and 2 more transcripts); c.693A>G, p.Ile231Met (NM_001324011.1); c.543A>G, p.Ile181Met (NM_001324012.1, NM_001324013.1); short protein forms I529M, I149M, I509M, I601M, I181M, I231M, I262M, I632M.
Identifiers: ClinVar variation 1782150 (VCV001782150.3), dbSNP rs2533737705, ClinGen allele CA361132460.